The following is an entry in ClinVar:

ClinVar aggregate classification (germline): Uncertain significance (1 of 4 stars; one submission).

Conditions:
Hereditary cancer-predisposing syndrome. Also called: Neoplastic Syndromes, Hereditary; Hereditary Cancer Syndrome; Hereditary neoplastic syndrome; Tumor predisposition. Identifiers: Orphanet 140162, MedGen C0027672, MeSH D009386, MONDO:0015356.

gnomAD v4.1: 4 of 1,609,596 alleles (0.00025%); highest among the groups gnomAD compares: South Asian, 0.0022%; no homozygotes.

Submission:

Labcorp Genetics (formerly Invitae), Labcorp
Classification: Uncertain significance for Hereditary cancer-predisposing syndrome. Last evaluated: 2021-01-11. Review status: criteria provided, single submitter. Criteria: Invitae Variant Classification Sherloc (09022015). Collection method: clinical testing. Allele origin: germline.
Comment: This sequence change replaces isoleucine with valine at codon 809 of the RAD50 protein (p.Ile809Val). The isoleucine residue is moderately conserved and there is a small physicochemical difference between isoleucine and valine. In summary, the available evidence is currently insufficient to determine the role of this variant in disease. Therefore, it has been classified as a Variant of Uncertain Significance. Algorithms developed to predict the effect of missense changes on protein structure and function are either unavailable or do not agree on the potential impact of this missense change (SIFT: "Tolerated"; PolyPhen-2: "Possibly Damaging"; Align-GVGD: "Class C0"). This variant has not been reported in the literature in individuals with RAD50-related conditions. This variant is not present in population databases (ExAC no frequency).

NM_005732.4(RAD50):c.2425A>G (p.Ile809Val)

Gene: RAD50 (RAD50 double strand break repair protein; plus strand). Cytogenetic location: 5q31.1.
Variant type: single nucleotide variant.
Coding change: c.2425A>G on transcript NM_005732.4 (MANE Select); coding-DNA position 2425, A replaced by G.
Protein change: p.Ile809Val; replaces isoleucine 809 with valine.
Molecular consequence: missense variant.
Genome position (GRCh38, 1-based): chr5:132,603,947, A>G. VCF-style: chr5-132603947-A-G. GRCh37 (hg19) VCF-style: chr5-131939639-A-G.
Other names: short protein forms I809V.
Identifiers: ClinVar variation 1060297 (VCV001060297.9), dbSNP rs2149847246, ClinGen allele CA360955424.
Genomic context (GRCh38, chr5:132,603,947, plus strand): 5'-TATTAAAGGAAATCATTTTGTTATATTCTTAAGATGGAACTTAAAGATGTTGAAAGAAAA[A>G]TTGCACAACAAGCAGCTAAGCTACAAGGAATAGACTTAGATCGAACTGTCCAACAAGTCA-3'
Protein context (NP_005723.2, residues 799-819): QMELKDVERK[Ile809Val]AQQAAKLQGI